The following is an entry in ClinVar:

ClinVar aggregate classification (germline): Uncertain significance (1 of 4 stars; one submission).

gnomAD v4.1: 5 of 1,551,752 alleles (0.00032%); highest among the groups gnomAD compares: African/African-American, 0.0041%; no homozygotes.

Submission:

GeneDx
Classification: Uncertain significance. Last evaluated: 2024-06-27. Review status: criteria provided, single submitter. Criteria: GeneDx Variant Classification Process June 2021. Collection method: clinical testing. Allele origin: germline. Affected: yes.
Comment: In silico analysis indicates that this missense variant does not alter protein structure/function; Has not been previously published as pathogenic or benign to our knowledge

NM_001371986.1(UNC80):c.9856A>G (p.Thr3286Ala)

Gene: UNC80 (unc-80 homolog, NALCN channel complex subunit; plus strand). Cytogenetic location: 2q34.
Variant type: single nucleotide variant.
Coding change: c.9856A>G on transcript NM_001371986.1 (MANE Select); coding-DNA position 9856, A replaced by G.
Protein change: p.Thr3286Ala; replaces threonine 3286 with alanine.
Molecular consequence: missense variant.
Genome position (GRCh38, 1-based): chr2:209,995,476, A>G. VCF-style: chr2-209995476-A-G. GRCh37 (hg19) VCF-style: chr2-210860200-A-G.
Other names: c.9658A>G, p.Thr3220Ala (NM_032504.2); c.9586A>G, p.Thr3196Ala (NM_182587.4); short protein forms T3196A, T3220A, T3286A.
Identifiers: ClinVar variation 3392908 (VCV003392908.1).